The following is an entry in ClinVar:

ClinVar aggregate classification (germline): Uncertain significance (1 of 4 stars; one submission).

Conditions:
Progressive microcephaly-seizures-cortical blindness-developmental delay syndrome. Also called: Seizures, cortical blindness, and microcephaly syndrome. Identifiers: Orphanet 477814, MedGen C5567650, MONDO:0014714, OMIM 616632.
Autosomal dominant nonsyndromic hearing loss 1. Also called: KONIGSMARK SYNDROME; DEAFNESS, AUTOSOMAL DOMINANT 1, WITH OR WITHOUT THROMBOCYTOPENIA. Identifiers: Orphanet 90635, MedGen C1852282, MONDO:0007424, OMIM 124900.

Allele frequency attached by ClinVar (database versions not stated): gnomAD exomes below 0.00001.
gnomAD v4.1: 1 of 1,614,218 alleles (0.000062%); highest among the groups gnomAD compares: Non-Finnish European, 0.000085%; no homozygotes.

Submission:

Labcorp Genetics (formerly Invitae), Labcorp
Classification: Uncertain significance for Progressive microcephaly-seizures-cortical blindness-developmental delay syndrome; Autosomal dominant nonsyndromic hearing loss 1. Last evaluated: 2022-11-07. Review status: criteria provided, single submitter. Criteria: Invitae Variant Classification Sherloc (09022015). Collection method: clinical testing. Allele origin: germline.
Comment: In summary, the available evidence is currently insufficient to determine the role of this variant in disease. Therefore, it has been classified as a Variant of Uncertain Significance. Algorithms developed to predict the effect of missense changes on protein structure and function (SIFT, PolyPhen-2, Align-GVGD) all suggest that this variant is likely to be tolerated. This variant has not been reported in the literature in individuals affected with DIAPH1-related conditions. This variant is not present in population databases (gnomAD no frequency). This sequence change replaces glycine, which is neutral and non-polar, with alanine, which is neutral and non-polar, at codon 995 of the DIAPH1 protein (p.Gly995Ala).

NM_005219.5(DIAPH1):c.2984G>C (p.Gly995Ala)

Gene: DIAPH1 (diaphanous related formin 1; minus strand). Cytogenetic location: 5q31.3.
Variant type: single nucleotide variant.
Coding change: c.2984G>C on transcript NM_005219.5 (MANE Select); coding-DNA position 2984, G replaced by C.
Protein change: p.Gly995Ala; replaces glycine 995 with alanine.
Molecular consequence: missense variant.
Genome position (GRCh38, 1-based): chr5:141,528,736, C>G on the plus strand (G>C on the coding strand, the complement: DIAPH1 is on the minus strand). VCF-style: chr5-141528736-C-G. GRCh37 (hg19) VCF-style: chr5-140908303-C-G.
Other names: c.2957G>C, p.Gly986Ala (NM_001079812.3); c.2984G>C, p.Gly995Ala (NM_001314007.2); short protein forms G995A, G986A.
Identifiers: ClinVar variation 2941371 (VCV002941371.3), dbSNP rs2513625021, ClinGen allele CA361583963.